The following is an entry in ClinVar:

ClinVar aggregate classification (germline): Likely pathogenic (1 of 4 stars; one submission).

Conditions:
Dilated cardiomyopathy 1G (CMD1G). Identifiers: Orphanet 154, MedGen C1858763, MONDO:0011400, OMIM 604145.
Autosomal recessive limb-girdle muscular dystrophy type 2J (LGMDR10). Also called: Limb-girdle muscular dystrophy, type 2J; MUSCULAR DYSTROPHY, LIMB-GIRDLE, AUTOSOMAL RECESSIVE 10. Identifiers: Orphanet 140922, MedGen C1837342, MONDO:0012127, OMIM 608807.

Submission:

Labcorp Genetics (formerly Invitae), Labcorp
Classification: Likely pathogenic for Dilated cardiomyopathy 1G; Autosomal recessive limb-girdle muscular dystrophy type 2J. Last evaluated: 2024-10-18. Review status: criteria provided, single submitter. Criteria: Invitae Variant Classification Sherloc (09022015). Collection method: clinical testing. Allele origin: germline.
Comment: This sequence change creates a premature translational stop signal (p.His15445Glnfs*11) in the TTN gene. While this is not anticipated to result in nonsense mediated decay, it is expected to create a truncated TTN protein. This variant is not present in population databases (gnomAD no frequency). This variant has not been reported in the literature in individuals affected with TTN-related conditions. ClinVar contains an entry for this variant (Variation ID: 2026534). This variant is located in the I band of TTN (PMID: 25589632). Truncating variants in this region have been reported in individuals affected with autosomal recessive centronuclear myopathy (PMID: 23975875, internal data). Truncating variants in this region have also been identified in individuals affected with autosomal dominant dilated cardiomyopathy and/or cardio-related conditions (PMID: 27869827, 32964742, internal data). In summary, the currently available evidence indicates that the variant is pathogenic, but additional data are needed to prove that conclusively. Therefore, this variant has been classified as Likely Pathogenic.

Literature cited by the submitters: PubMed 25589632; PubMed 23975875; PubMed 27869827; PubMed 32964742.

NM_001267550.2(TTN):c.46335_46336del (p.His15445fs)

Genes: TTN (titin; minus strand), TTN-AS1 (TTN antisense RNA 1; plus strand). Cytogenetic location: 2q31.2.
Variant type: Microsatellite.
Coding change: c.46335_46336del on transcript NM_001267550.2 (MANE Select); coding-DNA positions 46335 to 46336, 2 bases deleted (CA; older notation c.46335_46336delCA).
Protein change: p.His15445fs; shifts the reading frame from histidine 15445.
Molecular consequence: frameshift variant. On other transcripts: non-coding transcript variant (1).
Genome position (GRCh38, 1-based): chr2:178,620,081-178,620,082, TG deleted on the plus strand (CA on the coding strand, the reverse complement: TTN is on the minus strand); deleting any 2 consecutive bases within chr2:178,620,081-178,620,085 gives the same sequence; the c. name uses the placement nearest the transcript's 3' end. VCF-style (leftmost placement, unchanged base first): chr2-178620080-CTG-C. GRCh37 (hg19) VCF-style: chr2-179484807-CTG-C.
Other names: c.41412_41413del, p.His13804fs (NM_001256850.1); c.19140_19141del, p.His6380fs (NM_003319.4); c.38631_38632del, p.His12877fs (NM_133378.4); c.19515_19516del, p.His6505fs (NM_133432.3); c.19716_19717del, p.His6572fs (NM_133437.4); short protein forms H6505fs, H6572fs, H15445fs, H13804fs, H6380fs, H12877fs.
Identifiers: ClinVar variation 2026534 (VCV002026534.4), dbSNP rs2470985614, ClinGen allele CA2580614519.